The following is an entry in ClinVar:

NM_001372.4(DNAH9):c.10840A>T (p.Ile3614Phe)

Genes: DNAH9 (dynein axonemal heavy chain 9; plus strand), LOC101928350 (uncharacterized LOC101928350; minus strand). Cytogenetic location: 17p12.
Variant type: single nucleotide variant.
Coding change: c.10840A>T on transcript NM_001372.4 (MANE Select); coding-DNA position 10840, A replaced by T.
Protein change: p.Ile3614Phe; replaces isoleucine 3614 with phenylalanine.
Molecular consequence: missense variant. On other transcripts: 5 prime UTR variant (1).
Genome position (GRCh38, 1-based): chr17:11,883,619, A>T. VCF-style: chr17-11883619-A-T. GRCh37 (hg19) VCF-style: chr17-11786936-A-T.
Other names: c.-225A>T (NM_004662.2); short protein forms I3614F.
Identifiers: ClinVar variation 1931377 (VCV001931377.5), dbSNP rs1250071865, ClinGen allele CA398198620.

ClinVar aggregate classification (germline): Uncertain significance (1 of 4 stars; one submission).

Submission:

Labcorp Genetics (formerly Invitae), Labcorp
Classification: Uncertain significance. Last evaluated: 2022-06-14. Review status: criteria provided, single submitter. Criteria: Invitae Variant Classification Sherloc (09022015). Collection method: clinical testing. Allele origin: germline.
Comment: This variant is not present in population databases (gnomAD no frequency). In summary, the available evidence is currently insufficient to determine the role of this variant in disease. Therefore, it has been classified as a Variant of Uncertain Significance. Algorithms developed to predict the effect of missense changes on protein structure and function are either unavailable or do not agree on the potential impact of this missense change (SIFT: "Deleterious"; PolyPhen-2: "Probably Damaging"; Align-GVGD: "Class C0"). This variant has not been reported in the literature in individuals affected with DNAH9-related conditions. This sequence change replaces isoleucine, which is neutral and non-polar, with phenylalanine, which is neutral and non-polar, at codon 3614 of the DNAH9 protein (p.Ile3614Phe).